The following is an entry in ClinVar:

ClinVar aggregate classification (germline): Uncertain significance (1 of 4 stars; one submission).

Submission:

Women's Health and Genetics/Laboratory Corporation of America, LabCorp
Classification: Uncertain significance. Last evaluated: 2024-10-14. Review status: criteria provided, single submitter. Criteria: LabCorp Variant Classification Summary - May 2015. Collection method: clinical testing. Allele origin: germline.
Comment: Variant summary: COL4A3 c.3794G>T (p.Gly1265Val) results in a non-conservative amino acid change in the encoded protein sequence. Five of five in-silico tools predict a damaging effect of the variant on protein function. The variant was absent in 249504 control chromosomes. The available data on variant occurrences in the general population are insufficient to allow any conclusion about variant significance. To our knowledge, no occurrence of c.3794G>T in individuals affected with Alport Syndrome, Autosomal Recessive and no experimental evidence demonstrating its impact on protein function have been reported. No submitters have cited clinical-significance assessments for this variant to ClinVar. Based on the evidence outlined above, the variant was classified as uncertain significance.

NM_000091.5(COL4A3):c.3794G>T (p.Gly1265Val)

Genes: COL4A3 (collagen type IV alpha 3 chain; plus strand), MFF-DT (MFF divergent transcript; minus strand). Cytogenetic location: 2q36.3.
Variant type: single nucleotide variant.
Coding change: c.3794G>T on transcript NM_000091.5 (MANE Select); coding-DNA position 3794, G replaced by T.
Protein change: p.Gly1265Val; replaces glycine 1265 with valine.
Molecular consequence: missense variant.
Genome position (GRCh38, 1-based): chr2:227,298,724, G>T. VCF-style: chr2-227298724-G-T. GRCh37 (hg19) VCF-style: chr2-228163440-G-T.
Other names: short protein forms G1265V.
Identifiers: ClinVar variation 3385313 (VCV003385313.1).
Genomic context (GRCh38, chr2:227,298,724, plus strand): 5'-GACTTTTCATGAATTCAGGTGCGCCTGGTCCCCCTGGACCTCCAGGGAGTCATGTAATAG[G>T]CATAAAAGGAGACAAAGGGTCTATGGGCCACCCTGGCCCAAAAGGTCCACCTGGAACTGC-3'
Protein context (NP_000082.2, residues 1255-1275): PPGPPGSHVI[Gly1265Val]IKGDKGSMGH